The following is an entry in ClinVar:

NM_014679.5(CEP57):c.1447G>A (p.Asp483Asn)

Gene: CEP57 (centrosomal protein 57; plus strand). Cytogenetic location: 11q21.
Variant type: single nucleotide variant.
Coding change: c.1447G>A on transcript NM_014679.5 (MANE Select); coding-DNA position 1447, G replaced by A.
Protein change: p.Asp483Asn; replaces aspartic acid 483 with asparagine.
Molecular consequence: missense variant.
Genome position (GRCh38, 1-based): chr11:95,831,200, G>A. VCF-style: chr11-95831200-G-A. GRCh37 (hg19) VCF-style: chr11-95564364-G-A.
Other names: c.1420G>A, p.Asp474Asn (NM_001243776.2); c.1369G>A, p.Asp457Asn (NM_001243777.2); c.1366G>A, p.Asp456Asn (NM_001363604.2, NM_001440869.1, NM_001440870.1); c.1339G>A, p.Asp447Asn (NM_001440871.1); c.1330G>A, p.Asp444Asn (NM_001440872.1); c.1267G>A, p.Asp423Asn (NM_001440873.1); c.1261G>A, p.Asp421Asn (NM_001440874.1); c.1258G>A, p.Asp420Asn (NM_001440875.1); and 6 more; short protein forms D418N, D421N, D444N, D447N, D456N, D457N, D474N, D382N.
Identifiers: ClinVar variation 4613526 (VCV004613526.1).

ClinVar aggregate classification (germline): Uncertain significance (1 of 4 stars; one submission).

Conditions:
Inborn genetic diseases. Identifiers: MedGen C0950123, MeSH D030342.

Submission:

Ambry Genetics
Classification: Uncertain significance for Inborn genetic diseases. Last evaluated: 2025-10-11. Review status: criteria provided, single submitter. Criteria: Ambry Variant Classification Scheme 2023. Collection method: clinical testing. Allele origin: germline.
Comment: The p.D483N variant (also known as c.1447G>A), located in coding exon 11 of the CEP57 gene, results from a G to A substitution at nucleotide position 1447. The aspartic acid at codon 483 is replaced by asparagine, an amino acid with highly similar properties. This amino acid position is conserved. In addition, this alteration is predicted to be tolerated by in silico analysis. Based on the available evidence, the clinical significance of this variant remains unclear.